The following is an entry in ClinVar:

ClinVar aggregate classification (germline): Uncertain significance. Review status: criteria provided, multiple submitters, no conflicts (2 of 4 stars). 4 submissions from 4 submitters: Uncertain significance (4). Last evaluated 2026-07-28.

Conditions:
MYH6-related disorder. Also called: MYH6-Related Disorders; MYH6-related condition.
Cardiovascular phenotype. Identifiers: MedGen CN230736.
Hypertrophic cardiomyopathy 14. Identifiers: MedGen C2750467, MONDO:0013197, OMIM 613251.

Allele frequency attached by ClinVar (database versions not stated): gnomAD exomes 0.00001; TOPMed 0.00002; gnomAD 0.00004 and 0.00003.

Submissions (4):

Ambry Genetics
Classification: Uncertain significance for Cardiovascular phenotype. Last evaluated: 2026-07-28. Review status: criteria provided, single submitter. Criteria: Ambry Variant Classification Scheme 2023. Collection method: clinical testing. Allele origin: germline.

Labcorp Genetics (formerly Invitae), Labcorp
Classification: Uncertain significance for Hypertrophic cardiomyopathy 14. Last evaluated: 2025-10-17. Review status: criteria provided, single submitter. Criteria: Invitae Variant Classification Sherloc (09022015). Collection method: clinical testing. Allele origin: germline.
Comment: This sequence change replaces leucine, which is neutral and non-polar, with methionine, which is neutral and non-polar, at codon 391 of the MYH6 protein (p.Leu391Met). This variant is present in population databases (no rsID available, gnomAD 0.003%). This variant has not been reported in the literature in individuals affected with MYH6-related conditions. ClinVar contains an entry for this variant (Variation ID: 222714). Invitae Evidence Modeling of protein sequence and biophysical properties (such as structural, functional, and spatial information, amino acid conservation, physicochemical variation, residue mobility, and thermodynamic stability) indicates that this missense variant is not expected to disrupt MYH6 protein function with a negative predictive value of 80%. In summary, the available evidence is currently insufficient to determine the role of this variant in disease. Therefore, it has been classified as a Variant of Uncertain Significance.

PreventionGenetics, part of Exact Sciences
Classification: Uncertain significance for MYH6-related condition. Last evaluated: 2025-07-23. Review status: criteria provided, single submitter. Criteria: ACMG Guidelines, 2015. Collection method: clinical testing. Allele origin: germline.
Comment: The MYH6 c.1171C>A variant is predicted to result in the amino acid substitution p.Leu391Met. To our knowledge, this variant has not been reported in the literature. This variant is reported in 0.0039% of alleles in individuals of European (Non-Finnish) descent in gnomAD. At this time, the clinical significance of this variant is uncertain due to the absence of conclusive functional and genetic evidence.

Blueprint Genetics
Classification: Uncertain significance. Last evaluated: 2023-05-23. Review status: criteria provided, single submitter. Criteria: ACMG Guidelines, 2015. Collection method: clinical testing. Allele origin: germline.

NM_002471.4(MYH6):c.1171C>A (p.Leu391Met)

Gene: MYH6 (myosin heavy chain 6; minus strand). Cytogenetic location: 14q11.2.
Variant type: single nucleotide variant.
Coding change: c.1171C>A on transcript NM_002471.4 (MANE Select); coding-DNA position 1171, C replaced by A.
Protein change: p.Leu391Met; replaces leucine 391 with methionine.
Molecular consequence: missense variant.
Genome position (GRCh38, 1-based): chr14:23,400,948, G>T on the plus strand (C>A on the coding strand, the complement: MYH6 is on the minus strand). VCF-style: chr14-23400948-G-T. GRCh37 (hg19) VCF-style: chr14-23870157-G-T.
Other names: short protein forms L391M.
Identifiers: ClinVar variation 222714 (VCV000222714.12), dbSNP rs869025472, ClinGen allele CA351909.